The following is an entry in ClinVar:

NM_001372.4(DNAH9):c.7291C>T (p.Pro2431Ser)

Gene: DNAH9 (dynein axonemal heavy chain 9; plus strand). Cytogenetic location: 17p12.
Variant type: single nucleotide variant.
Coding change: c.7291C>T on transcript NM_001372.4 (MANE Select); coding-DNA position 7291, C replaced by T.
Protein change: p.Pro2431Ser; replaces proline 2431 with serine.
Molecular consequence: missense variant.
Genome position (GRCh38, 1-based): chr17:11,768,573, C>T. VCF-style: chr17-11768573-C-T. GRCh37 (hg19) VCF-style: chr17-11671890-C-T.
Other names: short protein forms P2431S.
Identifiers: ClinVar variation 4768289 (VCV004768289.1).
Genomic context (GRCh38, chr17:11,768,573, plus strand): 5'-TTTCCTTCCCAAGGAACCATCTTTGACTATTACATCGACCCAGAGACCAAGAAATTCGAG[C>T]CTTGGTCCAAGCTCGTCCCCCAGTTCGAATTTGACCCCGAGATGCCCTTGCAGGTGAGTG-3'
Protein context (NP_001363.2, residues 2421-2441): YIDPETKKFE[Pro2431Ser]WSKLVPQFEF

ClinVar aggregate classification (germline): Uncertain significance (1 of 4 stars; one submission).

Submission:

Labcorp Genetics (formerly Invitae), Labcorp
Classification: Uncertain significance. Last evaluated: 2025-03-24. Review status: criteria provided, single submitter. Criteria: Invitae Variant Classification Sherloc (09022015). Collection method: clinical testing. Allele origin: germline.
Comment: This sequence change replaces proline, which is neutral and non-polar, with serine, which is neutral and polar, at codon 2431 of the DNAH9 protein (p.Pro2431Ser). This variant is not present in population databases (gnomAD no frequency). This variant has not been reported in the literature in individuals affected with DNAH9-related conditions. Invitae Evidence Modeling of protein sequence and biophysical properties (such as structural, functional, and spatial information, amino acid conservation, physicochemical variation, residue mobility, and thermodynamic stability) indicates that this missense variant is not expected to disrupt DNAH9 protein function with a negative predictive value of 80%. In summary, the available evidence is currently insufficient to determine the role of this variant in disease. Therefore, it has been classified as a Variant of Uncertain Significance.